The following is an entry in ClinVar:

ClinVar aggregate classification (germline): Pathogenic (1 of 4 stars; one submission).

Conditions:
Familial intrahepatic cholestasis. Identifiers: Orphanet 284385, MedGen CN296401, MONDO:0017290.

Submission:

Genomenon, Inc
Classification: Pathogenic for Familial intrahepatic cholestasis. Last evaluated: 2026-04-14. Review status: criteria provided, single submitter. Criteria: Genomenon Sequence Variant Interpretation Standards - Updated. Collection method: curation. Allele origin: germline. Affected: yes.
Comment: ABCB11 c.1639-2A>C is a canonical splice variant affecting the acceptor splice site of intron 14. It is predicted to affect mRNA splicing, leading to a deleterious effect on the ABCB11 protein. This variant has been observed in at least one proband with an ABCB11-related disorder (PMID:24115678). It is absent or not present at a significant frequency in gnomAD. In conclusion, we classify ABCB11 c.1639-2A>C as a pathogenic variant.

Literature cited by the submitters: PubMed 24115678.

NM_003742.4(ABCB11):c.1639-2A>C

Gene: ABCB11 (ATP binding cassette subfamily B member 11; minus strand). Cytogenetic location: 2q31.1.
Variant type: single nucleotide variant.
Coding change: c.1639-2A>C on transcript NM_003742.4 (MANE Select); the canonical splice acceptor site of the intron before coding-DNA position 1639, A replaced by C.
Molecular consequence: splice acceptor variant.
Genome position (GRCh38, 1-based): chr2:168,970,217, T>G on the plus strand (A>C on the coding strand, the complement: ABCB11 is on the minus strand). VCF-style: chr2-168970217-T-G. GRCh37 (hg19) VCF-style: chr2-169826727-T-G.
Identifiers: ClinVar variation 4846694 (VCV004846694.1).
Genomic context (GRCh38, chr2:168,970,217, plus strand): 5'-CTTTGTTTCTGGCCACCACTCATCTGGCCTCCTCCTTCTCCAACAAGGGTGTCAAATTGC[T>G]AGATGGAAGGTGACACCAGTCATGAAGGGAAAAGAATTTGATGGCTTCTGACAGTGATCC-3'